The following is an entry in ClinVar:

ClinVar aggregate classification (germline): Uncertain significance. Review status: criteria provided, multiple submitters, no conflicts (2 of 4 stars). 5 submissions from 5 submitters: Uncertain significance (5). Last evaluated 2025-12-16.

Conditions:
Cardiovascular phenotype. Identifiers: MedGen CN230736.
Ehlers-Danlos syndrome, classic type, 1 (EDSCL1). Also called: EHLERS-DANLOS SYNDROME, GRAVIS TYPE; EHLERS-DANLOS SYNDROME, SEVERE CLASSIC TYPE; Ehlers-Danlos syndrome, type 1; EDS I; Ehlers-Danlos Syndrome, Classic Type, COL5A1-Related. Identifiers: MedGen C0268335, MONDO:0019567, OMIM 130000.
Familial thoracic aortic aneurysm and aortic dissection (TAAD). Also called: Thoracic aortic aneurysms and dissections. Identifiers: Orphanet 91387, MedGen C4707243, MONDO:0019625.

Allele frequency attached by ClinVar (database versions not stated): TOPMed 0.00002; gnomAD 0.00001; gnomAD exomes 0.00001; ExAC 0.00002.
gnomAD v4.1: 12 of 1,613,290 alleles (0.00074%); highest among the groups gnomAD compares: Admixed American, 0.0033%; no homozygotes.

Submissions (5):

GeneDx
Classification: Uncertain significance. Last evaluated: 2025-12-16. Review status: criteria provided, single submitter. Criteria: GeneDx Variant Classification Process June 2021. Collection method: clinical testing. Allele origin: germline. Affected: yes.
Comment: Not observed at significant frequency in large population cohorts (gnomAD); In silico analysis supports that this missense variant has a deleterious effect on protein structure/function; Has not been previously reported as pathogenic or benign in association with COL5A1-related disorders to our knowledge; This variant is associated with the following publications: (PMID: 41331780, 22696272)

Ambry Genetics
Classification: Uncertain significance for Familial thoracic aortic aneurysm and aortic dissection. Last evaluated: 2025-08-08. Review status: criteria provided, single submitter. Criteria: Ambry Variant Classification Scheme 2023. Collection method: clinical testing. Allele origin: germline.
Comment: The p.G1471S variant (also known as c.4411G>A), located in coding exon 57 of the COL5A1 gene, results from a G to A substitution at nucleotide position 4411. The glycine at codon 1471 is replaced by serine, an amino acid with similar properties. Internal structural analysis indicates that this alteration disrupts the characteristic G-X-Y motif of the triple helical domain in the COL5A1 protein and inserts a bulky side chain into a sterically-constrained region (Bella J et al. Science. 1994;266:75-81; Hohenester E et al. Proc. Natl. Acad. Sci.U.S.A. 2008;105:18273-7; Ambry internal data). Glycine substitutions in the triple helical domain of COL5A1 have been reported in association with classic Ehlers-Danlos syndrome (cEDS), but the number of affected individuals is limited and several other COL5A1 glycine substitutions in the triple helical domain (e.g., p.G1078A and p.G1414A) are too common for disease in population databases (Symoens S et al. Hum. Mutat., 2012 Oct;33:1485-93; Ritelli M et al. Orphanet J Rare Dis. 2013 Apr;8:58). This amino acid position is highly conserved in available vertebrate species. In addition, this alteration is predicted to be deleterious by in silico analysis. Based on the available evidence, the clinical significance of this variant remains unclear.

Labcorp Genetics (formerly Invitae), Labcorp
Classification: Uncertain significance for Ehlers-Danlos syndrome, classic type, 1. Last evaluated: 2025-06-24. Review status: criteria provided, single submitter. Criteria: Invitae Variant Classification Sherloc (09022015). Collection method: clinical testing. Allele origin: germline.
Comment: This sequence change replaces glycine, which is neutral and non-polar, with serine, which is neutral and polar, at codon 1471 of the COL5A1 protein (p.Gly1471Ser). This variant is present in population databases (rs750864661, gnomAD 0.01%). This missense change has been observed in individual(s) with Ehlers-Danlos syndrome (internal data). ClinVar contains an entry for this variant (Variation ID: 1316041). Invitae Evidence Modeling of protein sequence and biophysical properties (such as structural, functional, and spatial information, amino acid conservation, physicochemical variation, residue mobility, and thermodynamic stability) indicates that this missense variant is expected to disrupt COL5A1 protein function with a positive predictive value of 95%. This variant disrupts the triple helix domain of COL5A1. Glycine residues within the Gly-Xaa-Yaa repeats of the triple helix domain are required for the structure and stability of fibrillar collagens (PMID: 7695699, 8218237, 19344236), and variants at these glycine residues in COL5A1 are more frequently observed in individuals with disease than in the general population (PMID: 22696272, 23587214). However, the clinical significance of this observation remains uncertain since only a limited number of affected individuals have been described to date. In summary, the available evidence is currently insufficient to determine the role of this variant in disease. Therefore, it has been classified as a Variant of Uncertain Significance.

Molecular Diagnostic Laboratory for Inherited Cardiovascular Disease, Montreal Heart Institute
Classification: Uncertain significance for Cardiovascular phenotype. Last evaluated: 2025-04-09. Review status: criteria provided, single submitter. Criteria: ACMG Guidelines, 2015. Collection method: clinical testing. Allele origin: germline. Affected: yes.
Comment: PM1, PP3

AiLife Diagnostics
Classification: Uncertain significance. Last evaluated: 2021-09-16. Review status: criteria provided, single submitter. Criteria: ACMG Guidelines, 2015. Collection method: clinical testing. Allele origin: germline. Affected: yes. Observed: 1 variant allele.

Literature cited by the submitters: PubMed 7695699 (cited by Labcorp Genetics (formerly Invitae), Labcorp); PubMed 8218237 (cited by Labcorp Genetics (formerly Invitae), Labcorp); PubMed 19344236 (cited by Labcorp Genetics (formerly Invitae), Labcorp); PubMed 22696272 (cited by Labcorp Genetics (formerly Invitae), Labcorp); PubMed 23587214 (cited by Labcorp Genetics (formerly Invitae), Labcorp).

NM_000093.5(COL5A1):c.4411G>A (p.Gly1471Ser)

Gene: COL5A1 (collagen type V alpha 1 chain; plus strand). Cytogenetic location: 9q34.3.
Variant type: single nucleotide variant.
Coding change: c.4411G>A on transcript NM_000093.5 (MANE Select); coding-DNA position 4411, G replaced by A.
Protein change: p.Gly1471Ser; replaces glycine 1471 with serine.
Molecular consequence: missense variant.
Genome position (GRCh38, 1-based): chr9:134,819,018, G>A. VCF-style: chr9-134819018-G-A. GRCh37 (hg19) VCF-style: chr9-137710864-G-A.
Other names: c.4411G>A (NM_000093.4); c.4411G>A, p.Gly1471Ser (NM_001278074.1); short protein forms G1471S.
Identifiers: ClinVar variation 1316041 (VCV001316041.11), dbSNP rs750864661, ClinGen allele CA5320286.